The following is an entry in ClinVar:

NM_000539.3(RHO):c.587C>T (p.Pro196Leu)

Gene: RHO (rhodopsin; plus strand). Cytogenetic location: 3q22.1.
Variant type: single nucleotide variant.
Coding change: c.587C>T on transcript NM_000539.3 (MANE Select); coding-DNA position 587, C replaced by T.
Protein change: p.Pro196Leu; replaces proline 196 with leucine.
Molecular consequence: missense variant.
Genome position (GRCh38, 1-based): chr3:129,532,307, C>T. VCF-style: chr3-129532307-C-T. GRCh37 (hg19) VCF-style: chr3-129251150-C-T.
Other names: short protein forms P196L.
Identifiers: ClinVar variation 1007848 (VCV001007848.11), dbSNP rs141468335, ClinGen allele CA2607213.
Genomic context (GRCh38, chr3:129,532,307, plus strand): 5'-TCAGGTACATCCCCGAGGGCCTGCAGTGCTCGTGTGGAATCGACTACTACACGCTCAAGC[C>T]GGAGGTCAACAACGAGTCTTTTGTCATCTACATGTTCGTGGTCCACTTCACCATCCCCAT-3'
Protein context (NP_000530.1, residues 186-206): SCGIDYYTLK[Pro196Leu]EVNNESFVIY

ClinVar aggregate classification (germline): Uncertain significance. Review status: criteria provided, multiple submitters, no conflicts (2 of 4 stars). 4 submissions from 4 submitters: Uncertain significance (4). Last evaluated 2026-07-15.

Conditions:
RHO-related disorder. Also called: RHO-related condition.

Allele frequency attached by ClinVar (database versions not stated): ExAC 0.00002; gnomAD exomes 0.00002 and 0.00004; gnomAD 0.00004; TOPMed 0.00005; ESP Exome Variant Server 0.00008.
gnomAD v4.1: 42 of 1,613,932 alleles (0.0026%); highest among the groups gnomAD compares: African/African-American, 0.024%; no homozygotes.

Submissions (4):

PreventionGenetics, part of Exact Sciences
Classification: Uncertain significance for RHO-related condition. Last evaluated: 2026-07-15. Review status: criteria provided, single submitter. Criteria: ACMG Guidelines, 2015. Collection method: clinical testing. Allele origin: germline.
Comment: The RHO c.587C>T variant is predicted to result in the amino acid substitution p.Pro196Leu. To our knowledge, this variant has not been reported in the literature. This variant is reported in 0.031% of alleles in individuals of African descent in gnomAD. At this time, the clinical significance of this variant is uncertain due to the absence of conclusive functional and genetic evidence.

GeneDx
Classification: Uncertain significance. Last evaluated: 2025-05-14. Review status: criteria provided, single submitter. Criteria: GeneDx Variant Classification Process June 2021. Collection method: clinical testing. Allele origin: germline. Affected: yes.
Comment: In silico analysis supports that this missense variant has a deleterious effect on protein structure/function; Has not been previously published as pathogenic or benign to our knowledge

Labcorp Genetics (formerly Invitae), Labcorp
Classification: Uncertain significance. Last evaluated: 2024-03-20. Review status: criteria provided, single submitter. Criteria: Invitae Variant Classification Sherloc (09022015). Collection method: clinical testing. Allele origin: germline.
Comment: This sequence change replaces proline, which is neutral and non-polar, with leucine, which is neutral and non-polar, at codon 196 of the RHO protein (p.Pro196Leu). This variant is present in population databases (rs141468335, gnomAD 0.03%). This variant has not been reported in the literature in individuals affected with RHO-related conditions. ClinVar contains an entry for this variant (Variation ID: 1007848). Advanced modeling of protein sequence and biophysical properties (such as structural, functional, and spatial information, amino acid conservation, physicochemical variation, residue mobility, and thermodynamic stability) performed at Invitae indicates that this missense variant is expected to disrupt RHO protein function with a positive predictive value of 95%. In summary, the available evidence is currently insufficient to determine the role of this variant in disease. Therefore, it has been classified as a Variant of Uncertain Significance.

Blueprint Genetics
Classification: Uncertain significance. Last evaluated: 2023-11-16. Review status: criteria provided, single submitter. Criteria: ACMG Guidelines, 2015. Collection method: clinical testing. Allele origin: germline.